The following is an entry in ClinVar:

ClinVar aggregate classification (germline): Uncertain significance. Review status: criteria provided, multiple submitters, no conflicts (2 of 4 stars). 5 submissions from 5 submitters: Uncertain significance (5). Last evaluated 2025-06-19.

Conditions:
Inborn genetic diseases. Identifiers: MedGen C0950123, MeSH D030342.

Allele frequency attached by ClinVar (database versions not stated): ESP Exome Variant Server 0.00008; gnomAD 0.00010 and 0.00011; TOPMed 0.00011; gnomAD exomes 0.00016 and 0.00022; ExAC 0.00026.
gnomAD v4.1: 273 of 1,614,068 alleles (0.017%); highest among the groups gnomAD compares: Middle Eastern, 0.28%; 2 homozygotes.

Submissions (5):

Women's Health and Genetics/Laboratory Corporation of America, LabCorp
Classification: Uncertain significance. Last evaluated: 2025-06-19. Review status: criteria provided, single submitter. Criteria: LabCorp Variant Classification Summary - May 2015. Collection method: clinical testing. Allele origin: germline.
Comment: Variant summary: CUL7 c.2957G>A (p.Arg986His) results in a non-conservative amino acid change in the encoded protein sequence. Algorithms developed to predict the effect of missense changes on protein structure and function are either unavailable or do not agree on the potential impact of this missense change. The variant allele was found at a frequency of 0.00022 in 251460 control chromosomes. This frequency is not significantly higher than estimated for a pathogenic variant in CUL7 causing Three M Syndrome 1 (0.00022 vs 0.0011), allowing no conclusion about variant significance. To our knowledge, no occurrence of c.2957G>A in individuals affected with Three M Syndrome 1 and no experimental evidence demonstrating its impact on protein function have been reported. ClinVar contains an entry for this variant (Variation ID: 1354358). Based on the evidence outlined above, the variant was classified as uncertain significance.

GeneDx
Classification: Uncertain significance. Last evaluated: 2025-03-05. Review status: criteria provided, single submitter. Criteria: GeneDx Variant Classification Process June 2021. Collection method: clinical testing. Allele origin: germline. Affected: yes.
Comment: In silico analysis indicates that this missense variant does not alter protein structure/function; Has not been previously published as pathogenic or benign to our knowledge

Blueprint Genetics
Classification: Uncertain significance. Last evaluated: 2024-11-11. Review status: criteria provided, single submitter. Criteria: ACMG Guidelines, 2015. Collection method: clinical testing. Allele origin: germline.

Ambry Genetics
Classification: Uncertain significance for Inborn genetic diseases. Last evaluated: 2024-01-29. Review status: criteria provided, single submitter. Criteria: Ambry Variant Classification Scheme 2023. Collection method: clinical testing. Allele origin: germline.

Labcorp Genetics (formerly Invitae), Labcorp
Classification: Uncertain significance. Last evaluated: 2022-10-17. Review status: criteria provided, single submitter. Criteria: Invitae Variant Classification Sherloc (09022015). Collection method: clinical testing. Allele origin: germline.
Comment: This sequence change replaces arginine, which is basic and polar, with histidine, which is basic and polar, at codon 986 of the CUL7 protein (p.Arg986His). This variant is present in population databases (rs201345667, gnomAD 0.1%). This variant has not been reported in the literature in individuals affected with CUL7-related conditions. ClinVar contains an entry for this variant (Variation ID: 1354358). Advanced modeling of protein sequence and biophysical properties (such as structural, functional, and spatial information, amino acid conservation, physicochemical variation, residue mobility, and thermodynamic stability) performed at Invitae indicates that this missense variant is not expected to disrupt CUL7 protein function. In summary, the available evidence is currently insufficient to determine the role of this variant in disease. Therefore, it has been classified as a Variant of Uncertain Significance.

NM_014780.5(CUL7):c.2957G>A (p.Arg986His)

Gene: CUL7 (cullin 7; minus strand). Cytogenetic location: 6p21.1.
Variant type: single nucleotide variant.
Coding change: c.2957G>A on transcript NM_014780.5 (MANE Select); coding-DNA position 2957, G replaced by A.
Protein change: p.Arg986His; replaces arginine 986 with histidine.
Molecular consequence: missense variant.
Genome position (GRCh38, 1-based): chr6:43,045,308, C>T on the plus strand (G>A on the coding strand, the complement: CUL7 is on the minus strand). VCF-style: chr6-43045308-C-T. GRCh37 (hg19) VCF-style: chr6-43013046-C-T.
Other names: c.3053G>A, p.Arg1018His (NM_001168370.2, NM_001374872.1); c.2957G>A, p.Arg986His (NM_001374873.1, NM_001374874.1); c.2957G>A (NM_014780.4); short protein forms R986H, R1018H.
Identifiers: ClinVar variation 1354358 (VCV001354358.9), dbSNP rs201345667, ClinGen allele CA3813633.